The following is an entry in ClinVar:

NM_014141.6(CNTNAP2):c.250T>C (p.Trp84Arg)

Gene: CNTNAP2 (contactin associated protein 2; plus strand). Cytogenetic location: 7q35.
Variant type: single nucleotide variant.
Coding change: c.250T>C on transcript NM_014141.6 (MANE Select); coding-DNA position 250, T replaced by C.
Protein change: p.Trp84Arg; replaces tryptophan 84 with arginine.
Molecular consequence: missense variant.
Genome position (GRCh38, 1-based): chr7:146,839,752, T>C. VCF-style: chr7-146839752-T-C. GRCh37 (hg19) VCF-style: chr7-146536844-T-C.
Other names: short protein forms W84R.
Identifiers: ClinVar variation 450226 (VCV000450226.2), dbSNP rs1554399226, ClinGen allele CA369922550.
Genomic context (GRCh38, chr7:146,839,752, plus strand): 5'-TACCTCTGCCCATCTTCAGGTGCTGGGGGATGGTCTCCATCAGACAGCGACCATTATCAA[T>C]GGCTTCAGGTTGACTTTGGCAATCGGAAGCAGATCAGTGCCATTGCAACCCAAGGAAGGT-3'
Protein context (NP_054860.1, residues 74-94): WSPSDSDHYQ[Trp84Arg]LQVDFGNRKQ

ClinVar aggregate classification (germline): Uncertain significance (1 of 4 stars; one submission).

Allele frequency attached by ClinVar (database versions not stated): gnomAD exomes below 0.00001.
gnomAD v4.1: 3 of 1,614,212 alleles (0.00019%); highest among the groups gnomAD compares: South Asian, 0.0011%; no homozygotes.

Submission:

GeneDx
Classification: Uncertain significance. Last evaluated: 2017-07-01. Review status: criteria provided, single submitter. Criteria: GeneDx Variant Classification (06012015). Collection method: clinical testing. Allele origin: germline. Affected: yes.
Comment: The W84R variant in the CNTNAP2 gene has not been reported previously as a pathogenic variant, nor as a benign variant, to our knowledge. The W84R variant is not observed in large population cohorts (Lek et al., 2016; 1000 Genomes Consortium et al., 2015; Exome Variant Server). The W84R variant is a non-conservative amino acid substitution, which is likely to impact secondary protein structure as these residues differ in polarity, charge, size and/or other properties. This substitution occurs at a position that is conserved across species, and in silico analysis predicts this variant is probably damaging to the protein structure/function. We interpret W84R as a variant of uncertain significance.